The following is an entry in ClinVar:

ClinVar aggregate classification (germline): Uncertain significance (0 of 4 stars; one submission).

Conditions:
SELENON-related disorder. Also called: SELENON-related condition.

Submission:

PreventionGenetics, part of Exact Sciences
Classification: Uncertain significance for SELENON-related condition. Last evaluated: 2023-11-15. Review status: no assertion criteria provided. Collection method: clinical testing. Allele origin: germline.
Comment: The SELENON c.1118C>T variant is predicted to result in the amino acid substitution p.Ser373Phe. To our knowledge, this variant has not been reported in the literature or in a large population database, indicating this variant is rare. At this time, the clinical significance of this variant is uncertain due to the absence of conclusive functional and genetic evidence.

NM_206926.2(SELENON):c.1016C>T (p.Ser339Phe)

Gene: SELENON (selenoprotein N; plus strand). Cytogenetic location: 1p36.11.
Variant type: single nucleotide variant.
Coding change: c.1016C>T on transcript NM_206926.2 (MANE Select); coding-DNA position 1016, C replaced by T.
Protein change: p.Ser339Phe; replaces serine 339 with phenylalanine.
Molecular consequence: missense variant.
Genome position (GRCh38, 1-based): chr1:25,811,716, C>T. VCF-style: chr1-25811716-C-T. GRCh37 (hg19) VCF-style: chr1-26138207-C-T.
Other names: c.1118C>T, p.Ser373Phe (NM_020451.3); short protein forms S339F, S373F.
Identifiers: ClinVar variation 3044890 (VCV003044890.2), dbSNP rs769769668, ClinGen allele CA339116818.